The following is an entry in ClinVar:

ClinVar aggregate classification (germline): Uncertain significance (1 of 4 stars; one submission).

Conditions:
Primary familial hypertrophic cardiomyopathy (HCM). Identifiers: Orphanet 99739, MedGen C0949658, MeSH D024741, MONDO:0024573. Inheritance: Various modes of inheritance.
Hypertrophic cardiomyopathy 25 (CMH25). Also called: CARDIOMYOPATHY, FAMILIAL HYPERTROPHIC, 25. Identifiers: MedGen C4225408, MONDO:0011843, OMIM 607487.

Allele frequency attached by ClinVar (database versions not stated): gnomAD exomes below 0.00001 and 0.00001; ExAC 0.00001.

Submission:

Labcorp Genetics (formerly Invitae), Labcorp
Classification: Uncertain significance for Hypertrophic cardiomyopathy 25; Primary familial hypertrophic cardiomyopathy. Last evaluated: 2019-07-30. Review status: criteria provided, single submitter. Criteria: Invitae Variant Classification Sherloc (09022015). Collection method: clinical testing. Allele origin: germline.
Comment: In summary, the available evidence is currently insufficient to determine the role of this variant in disease. Therefore, it has been classified as a Variant of Uncertain Significance. Algorithms developed to predict the effect of missense changes on protein structure and function (SIFT, PolyPhen-2, Align-GVGD) all suggest that this variant is likely to be tolerated, but these predictions have not been confirmed by published functional studies and their clinical significance is uncertain. This variant has not been reported in the literature in individuals with TCAP-related conditions. This variant is present in population databases (rs756715463, ExAC 0.007%). This sequence change replaces valine with leucine at codon 88 of the TCAP protein (p.Val88Leu). The valine residue is moderately conserved and there is a small physicochemical difference between valine and leucine.

NM_003673.4(TCAP):c.262G>T (p.Val88Leu)

Gene: TCAP (titin-cap; plus strand). Cytogenetic location: 17q12.
Variant type: single nucleotide variant.
Coding change: c.262G>T on transcript NM_003673.4 (MANE Select); coding-DNA position 262, G replaced by T.
Protein change: p.Val88Leu; replaces valine 88 with leucine.
Molecular consequence: missense variant.
Genome position (GRCh38, 1-based): chr17:39,665,867, G>T. VCF-style: chr17-39665867-G-T. GRCh37 (hg19) VCF-style: chr17-37822120-G-T.
Other names: short protein forms V88L.
Identifiers: ClinVar variation 950331 (VCV000950331.10), dbSNP rs756715463, ClinGen allele CA8532885.